The following is an entry in ClinVar:

ClinVar aggregate classification (germline): Uncertain significance (1 of 4 stars; one submission).

Submission:

Ambry Genetics
Classification: Uncertain significance. Last evaluated: 2024-10-11. Review status: criteria provided, single submitter. Criteria: Ambry Variant Classification Scheme 2023. Collection method: clinical testing. Allele origin: germline.
Comment: The p.N282K variant (also known as c.846T>A), located in coding exon 6 of the RECQL gene, results from a T to A substitution at nucleotide position 846. The asparagine at codon 282 is replaced by lysine, an amino acid with similar properties. This amino acid position is conserved. In addition, the in silico prediction for this alteration is inconclusive. Based on the available evidence, the clinical significance of this variant remains unclear.

NM_002907.4(RECQL):c.846T>A (p.Asn282Lys)

Gene: RECQL (RecQ like helicase; minus strand). Cytogenetic location: 12p12.1.
Variant type: single nucleotide variant.
Coding change: c.846T>A on transcript NM_002907.4 (MANE Select); coding-DNA position 846, T replaced by A.
Protein change: p.Asn282Lys; replaces asparagine 282 with lysine.
Molecular consequence: missense variant.
Genome position (GRCh38, 1-based): chr12:21,477,824, A>T on the plus strand (T>A on the coding strand, the complement: RECQL is on the minus strand). VCF-style: chr12-21477824-A-T. GRCh37 (hg19) VCF-style: chr12-21630758-A-T.
Other names: c.846T>A, p.Asn282Lys (NM_032941.3); short protein forms N282K.
Identifiers: ClinVar variation 3431806 (VCV003431806.1).
Genomic context (GRCh38, chr12:21,477,824, plus strand): 5'-TCTTCACAAAAGTAAGGAATTGACATAAAAATTACATACCTCATAATATAGATTTGGCCT[A>T]TTAAAAGAAGCTGTAAAAGTAAAACACTTTTCAATGCACAAAATTTTCTGAGCATCCGTC-3'
Protein context (NP_002898.2, residues 272-292): EKCFTFTASF[Asn282Lys]RPNLYYEVRQ